The following is an entry in ClinVar:

ClinVar aggregate classification (germline): Likely benign. Review status: criteria provided, multiple submitters, no conflicts (2 of 4 stars). 4 submissions from 4 submitters: Likely benign (3). 1 of the submissions does not count toward it. Last evaluated 2026-02-01.

Conditions:
Inborn genetic diseases. Identifiers: MedGen C0950123, MeSH D030342.
Xeroderma pigmentosum (XP). Identifiers: Orphanet 910, MedGen C0043346, MONDO:0019600.
ERCC2-related disorder. Also called: ERCC2-related disorders; ERCC2-related conditions; ERCC2-related condition. Identifiers: MedGen CN239291.

Allele frequency attached by ClinVar (database versions not stated): ExAC 0.00004; gnomAD 0.00007 and 0.00008; 1000 Genomes Project 30x 0.00016; TOPMed 0.00016; 1000 Genomes Project 0.00020.
gnomAD v4.1: 18 of 1,582,032 alleles (0.0011%); highest among the groups gnomAD compares: Admixed American, 0.025%; no homozygotes.

Submissions (4):

Labcorp Genetics (formerly Invitae), Labcorp
Classification: Likely benign. Last evaluated: 2026-02-01. Review status: criteria provided, single submitter. Criteria: Invitae Variant Classification Sherloc (09022015). Collection method: clinical testing. Allele origin: germline.

Ambry Genetics
Classification: Likely benign for Inborn genetic diseases. Last evaluated: 2022-02-12. Review status: criteria provided, single submitter. Criteria: Ambry Variant Classification Scheme 2023. Collection method: clinical testing. Allele origin: germline.

Sema4
Classification: Likely benign for Xeroderma pigmentosum. Last evaluated: 2021-11-07. Review status: criteria provided, single submitter. Criteria: Sema4 Curation Guidelines. Collection method: curation. Allele origin: germline.

PreventionGenetics, part of Exact Sciences
Classification: Likely benign for ERCC2-related condition. Last evaluated: 2019-09-13. Review status: no assertion criteria provided. Collection method: clinical testing. Allele origin: germline. Not counted in ClinVar's aggregate classification.
Comment: This variant is classified as likely benign based on ACMG/AMP sequence variant interpretation guidelines (Richards et al. 2015 PMID: 25741868, with internal and published modifications).

NM_000400.4(ERCC2):c.873G>A (p.Gly291=)

Gene: ERCC2 (ERCC excision repair 2, TFIIH core complex helicase subunit; minus strand). Cytogenetic location: 19q13.32.
Variant type: single nucleotide variant.
Coding change: c.873G>A on transcript NM_000400.4 (MANE Select); coding-DNA position 873, G replaced by A.
Protein change: p.Gly291=; no amino-acid change (glycine 291 retained).
Molecular consequence: synonymous variant.
Genome position (GRCh38, 1-based): chr19:45,364,062, C>T on the plus strand (G>A on the coding strand, the complement: ERCC2 is on the minus strand). VCF-style: chr19-45364062-C-T. GRCh37 (hg19) VCF-style: chr19-45867320-C-T.
Other names: c.801G>A, p.Gly267= (NM_001130867.2).
Identifiers: ClinVar variation 1692434 (VCV001692434.8), dbSNP rs552090174, ClinGen allele CA9513589.
Genomic context (GRCh38, chr19:45,364,062, plus strand): 5'-GGGCAGCACGGGGTTGGCCAGGTGGGCGTCCGTCTCCCGGGCGGCGCTGGCCTCCCGCAG[C>T]CCCTCCACCAGACGCCGGTACTCGTCCCGCAGGCGCTGCTCGTCTGTCTCTTTGATCCTG-3'
Protein context (NP_000391.1, residues 281-301): LRDEYRRLVE[Gly291=]LREASAARET